The following is an entry in ClinVar:

ClinVar aggregate classification (germline): Uncertain significance (1 of 4 stars; one submission).

Submission:

GeneDx
Classification: Uncertain significance. Last evaluated: 2024-05-21. Review status: criteria provided, single submitter. Criteria: GeneDx Variant Classification Process June 2021. Collection method: clinical testing. Allele origin: germline. Affected: yes.
Comment: Not observed at significant frequency in large population cohorts (gnomAD); In silico analysis supports that this missense variant has a deleterious effect on protein structure/function; Has not been previously published as pathogenic or benign to our knowledge

NM_001352754.2(ARMC9):c.1562A>T (p.Tyr521Phe)

Gene: ARMC9 (armadillo repeat containing 9; plus strand). Cytogenetic location: 2q37.1.
Variant type: single nucleotide variant.
Coding change: c.1562A>T on transcript NM_001352754.2 (MANE Select); coding-DNA position 1562, A replaced by T.
Protein change: p.Tyr521Phe; replaces tyrosine 521 with phenylalanine.
Molecular consequence: missense variant. On other transcripts: non-coding transcript variant (1).
Genome position (GRCh38, 1-based): chr2:231,282,069, A>T. VCF-style: chr2-231282069-A-T. GRCh37 (hg19) VCF-style: chr2-232146782-A-T.
Other names: c.1562A>T, p.Tyr521Phe (NM_001271466.4, NM_001291656.2, NM_001352755.2 and 3 more transcripts); c.1463A>T, p.Tyr488Phe (NM_001352757.2, NM_001352758.2); short protein forms Y488F, Y521F.
Identifiers: ClinVar variation 3383546 (VCV003383546.1).